The following is an entry in ClinVar:

NM_000038.6(APC):c.6414G>T (p.Leu2138=)

Gene: APC (APC regulator of Wnt signaling pathway; plus strand). Cytogenetic location: 5q22.2.
Variant type: single nucleotide variant.
Coding change: c.6414G>T on transcript NM_000038.6 (MANE Select); coding-DNA position 6414, G replaced by T.
Protein change: p.Leu2138=; no amino-acid change (leucine 2138 retained).
Molecular consequence: synonymous variant. On other transcripts: non-coding transcript variant (2).
Genome position (GRCh38, 1-based): chr5:112,842,008, G>T. VCF-style: chr5-112842008-G-T. GRCh37 (hg19) VCF-style: chr5-112177705-G-T.
Other names: c.6414G>T, p.Leu2138= (NM_001127510.3, NM_001354895.2, NM_001407450.1); c.6360G>T, p.Leu2120= (NM_001127511.3); c.6468G>T, p.Leu2156= (NM_001354896.2, NM_001407447.1, NM_001407448.1 and 1 more transcripts); c.6444G>T, p.Leu2148= (NM_001354897.2); c.6339G>T, p.Leu2113= (NM_001354898.2); c.6330G>T, p.Leu2110= (NM_001354899.2); c.6291G>T, p.Leu2097= (NM_001354900.2); c.6237G>T, p.Leu2079= (NM_001354901.2, NM_001407453.1); and 11 more.
Identifiers: ClinVar variation 3253889 (VCV003253889.1), dbSNP rs1554087414.

ClinVar aggregate classification (germline): Benign (1 of 4 stars; one submission).

Conditions:
Familial adenomatous polyposis 1 (FAP1). Also called: POLYPOSIS, ADENOMATOUS INTESTINAL; FAMILIAL ADENOMATOUS POLYPOSIS 1, ATTENUATED. Identifiers: MedGen C2713442, MONDO:0021056, OMIM 175100. Disease mechanism: loss of function.

Submission:

Myriad Genetics, Inc.
Classification: Benign for Familial adenomatous polyposis 1. Last evaluated: 2024-04-04. Review status: criteria provided, single submitter. Criteria: Myriad Autosomal Dominant, Autosomal Recessive and X-Linked Classification Criteria (2023). Collection method: clinical testing. Allele origin: unknown.
Comment: This variant is considered benign. This variant is a silent/synonymous amino acid change and it is not expected to impact splicing.